The following is an entry in ClinVar:

ClinVar aggregate classification (germline): Uncertain significance (1 of 4 stars; one submission).

Conditions:
Episodic kinesigenic dyskinesia (EKD). Also called: Paroxysmal kinesigenic dyskinesia. Identifiers: Orphanet 98809, MedGen C1868682, MONDO:0044202.

Submission:

Labcorp Genetics (formerly Invitae), Labcorp
Classification: Uncertain significance for Episodic kinesigenic dyskinesia. Last evaluated: 2019-10-24. Review status: criteria provided, single submitter. Criteria: Invitae Variant Classification Sherloc (09022015). Collection method: clinical testing. Allele origin: germline.
Comment: This sequence change replaces glycine with aspartic acid at codon 337 of the PRRT2 protein (p.Gly337Asp). The glycine residue is highly conserved and there is a moderate physicochemical difference between glycine and aspartic acid. This variant is not present in population databases (ExAC no frequency). In summary, the available evidence is currently insufficient to determine the role of this variant in disease. Therefore, it has been classified as a Variant of Uncertain Significance. Algorithms developed to predict the effect of missense changes on protein structure and function are either unavailable or do not agree on the potential impact of this missense change (SIFT: "Deleterious"; PolyPhen-2: "Probably Damaging"; Align-GVGD: "Class C0"). This variant has not been reported in the literature in individuals with PRRT2-related conditions.

NM_145239.3(PRRT2):c.1010G>A (p.Gly337Asp)

Genes: MVP-DT (MVP divergent transcript; minus strand), PRRT2 (proline rich transmembrane protein 2; plus strand). Cytogenetic location: 16p11.2.
Variant type: single nucleotide variant.
Coding change: c.1010G>A on transcript NM_145239.3 (MANE Select); coding-DNA position 1010, G replaced by A.
Protein change: p.Gly337Asp; replaces glycine 337 with aspartic acid.
Molecular consequence: missense variant. On other transcripts: 3 prime UTR variant (1).
Genome position (GRCh38, 1-based): chr16:29,814,463, G>A. VCF-style: chr16-29814463-G-A. GRCh37 (hg19) VCF-style: chr16-29825784-G-A.
Other names: c.1010G>A, p.Gly337Asp (NM_001256442.2); c.*509G>A (NM_001256443.2); short protein forms G337D.
Identifiers: ClinVar variation 941395 (VCV000941395.10), dbSNP rs1900144446, ClinGen allele CA395480870.
Genomic context (GRCh38, chr16:29,814,463, plus strand): 5'-GCATCGTGGCGCTGGTGGGGGGAGTCCTCATCATCATCGCCTCCTGCGTCATCAACTTAG[G>A]CGGTGAGTGGGGGCTTGGGACAGGCAGGGGAGGAATGGAAGGGTTGGCAAGGGCAGCTTT-3'
Protein context (NP_660282.2, residues 327-340): IIIASCVINL[Gly337Asp]VYK